The following is an entry in ClinVar:

NM_001206927.2(DNAH8):c.2818C>A (p.Leu940Met)

Gene: DNAH8 (dynein axonemal heavy chain 8; plus strand). Cytogenetic location: 6p21.2.
Variant type: single nucleotide variant.
Coding change: c.2818C>A on transcript NM_001206927.2 (MANE Select); coding-DNA position 2818, C replaced by A.
Protein change: p.Leu940Met; replaces leucine 940 with methionine.
Molecular consequence: missense variant.
Genome position (GRCh38, 1-based): chr6:38,791,591, C>A. VCF-style: chr6-38791591-C-A. GRCh37 (hg19) VCF-style: chr6-38759367-C-A.
Other names: c.2167C>A, p.Leu723Met (NM_001371.4); short protein forms L940M, L723M.
Identifiers: ClinVar variation 1982628 (VCV001982628.5), dbSNP rs200401493, ClinGen allele CA3788636.

ClinVar aggregate classification (germline): Uncertain significance. Review status: criteria provided, multiple submitters, no conflicts (2 of 4 stars). 2 submissions from 2 submitters: Uncertain significance (2). Last evaluated 2025-10-02.

Conditions:
Primary ciliary dyskinesia. Also called: Ciliary dyskinesia. Identifiers: Orphanet 244, MedGen C0008780, MONDO:0016575, HP:0012265.

Allele frequency attached by ClinVar (database versions not stated): gnomAD 0.00002; ESP Exome Variant Server 0.00008; 1000 Genomes Project 30x 0.00016; 1000 Genomes Project 0.00020.
gnomAD v4.1: 184 of 1,613,728 alleles (0.011%); highest among the groups gnomAD compares: Middle Eastern, 0.017%; no homozygotes.

Submissions (2):

Labcorp Genetics (formerly Invitae), Labcorp
Classification: Uncertain significance for Primary ciliary dyskinesia. Last evaluated: 2025-10-02. Review status: criteria provided, single submitter. Criteria: Invitae Variant Classification Sherloc (09022015). Collection method: clinical testing. Allele origin: germline.
Comment: This sequence change replaces leucine, which is neutral and non-polar, with methionine, which is neutral and non-polar, at codon 940 of the DNAH8 protein (p.Leu940Met). This variant is present in population databases (rs200401493, gnomAD 0.03%). This variant has not been reported in the literature in individuals affected with DNAH8-related conditions. ClinVar contains an entry for this variant (Variation ID: 1982628). Invitae Evidence Modeling of protein sequence and biophysical properties (such as structural, functional, and spatial information, amino acid conservation, physicochemical variation, residue mobility, and thermodynamic stability) indicates that this missense variant is not expected to disrupt DNAH8 protein function with a negative predictive value of 80%. In summary, the available evidence is currently insufficient to determine the role of this variant in disease. Therefore, it has been classified as a Variant of Uncertain Significance.

Blueprint Genetics
Classification: Uncertain significance. Last evaluated: 2024-02-15. Review status: criteria provided, single submitter. Criteria: ACMG Guidelines, 2015. Collection method: clinical testing. Allele origin: germline.